The following is an entry in ClinVar:

ClinVar aggregate classification (germline): Pathogenic (1 of 4 stars; one submission).

Conditions:
Thrombophilia due to protein S deficiency, autosomal recessive (THPH6). Identifiers: Orphanet 743, MedGen C3281092, MONDO:0013791, OMIM 614514. Disease mechanism: loss of function.

Submission:

Labcorp Genetics (formerly Invitae), Labcorp
Classification: Pathogenic for Thrombophilia due to protein S deficiency, autosomal recessive. Last evaluated: 2022-11-04. Review status: criteria provided, single submitter. Criteria: Invitae Variant Classification Sherloc (09022015). Collection method: clinical testing. Allele origin: germline.
Comment: For these reasons, this variant has been classified as Pathogenic. This variant has not been reported in the literature in individuals affected with PROS1-related conditions. This sequence change creates a premature translational stop signal (p.Ser394Ilefs*7) in the PROS1 gene. It is expected to result in an absent or disrupted protein product. Loss-of-function variants in PROS1 are known to be pathogenic (PMID: 9241758). This variant is not present in population databases (gnomAD no frequency).

Literature cited by the submitters: PubMed 9241758.

NM_000313.4(PROS1):c.1179_1180dup (p.Ser394fs)

Gene: PROS1 (protein S; minus strand). Cytogenetic location: 3q11.1.
Variant type: Duplication.
Coding change: c.1179_1180dup on transcript NM_000313.4 (MANE Select); coding-DNA positions 1179 to 1180, 2 bases duplicated (TA; older notation c.1179_1180dupTA).
Protein change: p.Ser394fs; shifts the reading frame from serine 394.
Molecular consequence: frameshift variant.
Genome position (GRCh38, 1-based): chr3:93,886,479-93,886,480, TA duplicated on the plus strand (TA on the coding strand, the reverse complement: PROS1 is on the minus strand); duplicating any 2 consecutive bases within chr3:93,886,479-93,886,481 gives the same sequence; the c. name uses the placement nearest the transcript's 3' end. VCF-style (leftmost placement, unchanged base first): chr3-93886478-C-CTA. GRCh37 (hg19) VCF-style: chr3-93605322-C-CTA.
Other names: c.1275_1276dup, p.Ser426fs (NM_001314077.2); short protein forms S394fs, S426fs.
Identifiers: ClinVar variation 2812037 (VCV002812037.3), dbSNP rs2472117896, ClinGen allele CA2739278621.